The following is an entry in ClinVar:

NM_001042492.3(NF1):c.4670C>T (p.Thr1557Ile)

Gene: NF1 (neurofibromin 1; plus strand). Cytogenetic location: 17q11.2.
Variant type: single nucleotide variant.
Coding change: c.4670C>T on transcript NM_001042492.3 (MANE Select); coding-DNA position 4670, C replaced by T.
Protein change: p.Thr1557Ile; replaces threonine 1557 with isoleucine.
Molecular consequence: missense variant.
Genome position (GRCh38, 1-based): chr17:31,261,803, C>T. VCF-style: chr17-31261803-C-T. GRCh37 (hg19) VCF-style: chr17-29588821-C-T.
Other names: c.4607C>T, p.Thr1536Ile (NM_000267.4); short protein forms T1536I, T1557I.
Identifiers: ClinVar variation 485977 (VCV000485977.5), dbSNP rs876660065, ClinGen allele CA399000450.
Genomic context (GRCh38, chr17:31,261,803, plus strand): 5'-ATAAGATGGCAACACTTCTTGCATACCTGGGTCCTCCAGAGCACAAACCTGTGGCAGATA[C>T]ACACTGGTCCAGCCTTAACCTTACCAGTTCAAAGTTTGAGGAATTTATGACTAGGTAAAG-3'
Protein context (NP_001035957.1, residues 1547-1567): GPPEHKPVAD[Thr1557Ile]HWSSLNLTSS

ClinVar aggregate classification (germline): Uncertain significance (1 of 4 stars; one submission).

Conditions:
Hereditary cancer-predisposing syndrome. Also called: Tumor predisposition; Hereditary Cancer Syndrome; Hereditary neoplastic syndrome; Neoplastic Syndromes, Hereditary. Identifiers: Orphanet 140162, MedGen C0027672, MeSH D009386, MONDO:0015356.
Cardiovascular phenotype. Identifiers: MedGen CN230736.

gnomAD v4.1: 1 of 1,612,870 alleles (0.000062%); highest among the groups gnomAD compares: Non-Finnish European, 0.000085%; no homozygotes.

Submission:

Ambry Genetics
Classification: Uncertain significance for Cardiovascular phenotype; Hereditary cancer-predisposing syndrome. Last evaluated: 2017-08-23. Review status: criteria provided, single submitter. Criteria: Ambry Variant Classification Scheme 2023. Collection method: clinical testing. Allele origin: germline.
Comment: The p.T1536I variant (also known as c.4607C>T), located in coding exon 34 of the NF1 gene, results from a C to T substitution at nucleotide position 4607. The threonine at codon 1536 is replaced by isoleucine, an amino acid with similar properties. This amino acid position is highly conserved in available vertebrate species. In addition, the in silico prediction for this alteration is inconclusive. Since supporting evidence is limited at this time, the clinical significance of this alteration remains unclear.